The following continues an entry in ClinVar:

NM_000350.3(ABCA4):c.4610C>T (p.Thr1537Met)

Gene: ABCA4. ClinVar aggregate classification (germline): Conflicting classifications of pathogenicity. Pathogenic (3); Likely pathogenic (7); Uncertain significance (3).

Submissions 12 to 14 of 14:

ARUP Laboratories, Molecular Genetics and Genomics, ARUP Laboratories
Classification: Uncertain significance. Last evaluated: 2019-06-05. Review status: criteria provided, single submitter. Criteria: ARUP Molecular Germline Variant Investigation Process. Collection method: clinical testing. Allele origin: germline.
Comment: The ABCA4 c.4610C>T, p.Thr1537Met variant (rs62642575) is reported in the medical literature in two individuals with Stargardt disease, but information on an additional pathogenic variant in these individuals was not provided (Rivera 2000, Schulz 2017). The variant is reported in the ClinVar database (Variation ID: 99306) and in the general population with an allele frequency of 0.01% (34/282866 alleles) in the Genome Aggregation Database. The amino acid at this position is highly conserved and computational algorithms (PolyPhen-2, SIFT) predict this variant is deleterious. Cell culture experiments show this variant slightly reduces function of the protein. However, due to limited information, the clinical significance of the variant is uncertain at this time. References: Quazi F et al. Differential phospholipid substrates and directional transport by ATP-binding cassette proteins ABCA1, ABCA7, and ABCA4 and disease-causing mutants. J Biol Chem. 2013 Nov 29;288(48):34414-26. Rivera A et al. A comprehensive survey of sequence variation in the ABCA4 (ABCR) gene in Stargardt disease and age-related macular degeneration. Am J Hum Genet. 2000 Oct;67(4):800-13 Schulz HL et al. Mutation Spectrum of the ABCA4 Gene in 335 Stargardt Disease Patients From a Multicenter German Cohort-Impact of Selected Deep Intronic Variants and Common SNPs. Invest Ophthalmol Vis Sci. 2017 Jan 1;58(1):394-403.

Juno Genomics, Hangzhou Juno Genomics, Inc
Classification: Likely pathogenic for Age related macular degeneration 2; Cone-rod dystrophy 3; Severe early-childhood-onset retinal dystrophy; Retinitis pigmentosa 19. Review status: criteria provided, single submitter. Criteria: ACMG Guidelines, 2015. Collection method: clinical testing. Allele origin: germline.
Comment: Absent from controls (or at extremely low frequency if recessive) in Genome Aggregation Database.;Multiple lines of computational evidence support a deleterious effect on the gene or gene product.;For recessive disorders, detected in trans with a pathogenic variant.;Patient's phenotype or family history is highly specific for a disease with a single genetic etiology.

Retina International
No classification provided. Review status: no classification provided. Collection method: not provided. Allele origin: not provided. Not counted in ClinVar's aggregate classification.

Literature cited by the submitters: PubMed 28118664 (cited by 3 submitters); PubMed 31630094 (cited by Labcorp Genetics (formerly Invitae), Labcorp and Institute of Human Genetics, Univ. Regensburg, Univ. Regensburg); PubMed 33301772 (cited by Labcorp Genetics (formerly Invitae), Labcorp and Institute of Human Genetics, Univ. Regensburg, Univ. Regensburg); PubMed 24097981 (cited by 4 submitters); PubMed 10958763 (cited by 3 submitters); PubMed 4097981 (cited by SingHealth Duke-NUS Institute of Precision Medicine); PubMed 27527345 (cited by Institute of Human Genetics, Univ. Regensburg, Univ. Regensburg); PubMed 31964843 (cited by Institute of Human Genetics, Univ. Regensburg, Univ. Regensburg); PubMed 32531858 (cited by Institute of Human Genetics, Univ. Regensburg, Univ. Regensburg); PubMed 34426522 (cited by Institute of Human Genetics, Univ. Regensburg, Univ. Regensburg).